The following is an entry in ClinVar:

ClinVar aggregate classification (germline): Uncertain significance. Review status: criteria provided, multiple submitters, no conflicts (2 of 4 stars). 2 submissions from 2 submitters: Uncertain significance (2). Last evaluated 2023-10-30.

Allele frequency attached by ClinVar (database versions not stated): TOPMed below 0.00001; gnomAD 0.00001.
gnomAD v4.1: 1 of 1,614,052 alleles (0.000062%); highest among the groups gnomAD compares: Non-Finnish European, 0.000085%; no homozygotes.

Submissions (2):

Labcorp Genetics (formerly Invitae), Labcorp
Classification: Uncertain significance. Last evaluated: 2023-10-30. Review status: criteria provided, single submitter. Criteria: Invitae Variant Classification Sherloc (09022015). Collection method: clinical testing. Allele origin: germline.
Comment: This sequence change replaces valine, which is neutral and non-polar, with isoleucine, which is neutral and non-polar, at codon 391 of the NR2F1 protein (p.Val391Ile). This variant is present in population databases (no rsID available, gnomAD 0.007%). This variant has not been reported in the literature in individuals affected with NR2F1-related conditions. Advanced modeling of protein sequence and biophysical properties (such as structural, functional, and spatial information, amino acid conservation, physicochemical variation, residue mobility, and thermodynamic stability) performed at Invitae indicates that this missense variant is not expected to disrupt NR2F1 protein function with a negative predictive value of 80%. In summary, the available evidence is currently insufficient to determine the role of this variant in disease. Therefore, it has been classified as a Variant of Uncertain Significance.

Blueprint Genetics
Classification: Uncertain significance. Last evaluated: 2023-01-16. Review status: criteria provided, single submitter. Criteria: ACMG Guidelines, 2015. Collection method: clinical testing. Allele origin: germline.

NM_005654.6(NR2F1):c.1171G>A (p.Val391Ile)

Gene: NR2F1 (nuclear receptor subfamily 2 group F member 1; plus strand). Cytogenetic location: 5q15.
Variant type: single nucleotide variant.
Coding change: c.1171G>A on transcript NM_005654.6 (MANE Select); coding-DNA position 1171, G replaced by A.
Protein change: p.Val391Ile; replaces valine 391 with isoleucine.
Molecular consequence: missense variant.
Genome position (GRCh38, 1-based): chr5:93,593,741, G>A. VCF-style: chr5-93593741-G-A. GRCh37 (hg19) VCF-style: chr5-92929447-G-A.
Other names: c.721G>A, p.Val241Ile (NM_001410754.1); short protein forms V241I, V391I.
Identifiers: ClinVar variation 2796985 (VCV002796985.4), dbSNP rs1340248863, ClinGen allele CA360527946.
Genomic context (GRCh38, chr5:93,593,741, plus strand): 5'-CTGCTGCGACTGCCCTCGCTGCGCACCGTGTCCTCCTCCGTCATCGAGCAGCTCTTCTTC[G>A]TCCGTTTGGTAGGTAAAACCCCCATCGAAACTCTCATCCGCGATATGTTACTGTCTGGGA-3'
Protein context (NP_005645.1, residues 381-401): SSSVIEQLFF[Val391Ile]RLVGKTPIET